The following is an entry in ClinVar:

ClinVar aggregate classification (germline): Uncertain significance (1 of 4 stars; one submission).

Conditions:
NEB-related disorder. Also called: NEB-Related Disorders; NEB-related condition.

Allele frequency attached by ClinVar (database versions not stated): gnomAD exomes below 0.00001; TOPMed below 0.00001.
gnomAD v4.1: 4 of 1,613,884 alleles (0.00025%); highest among the groups gnomAD compares: Non-Finnish European, 0.00034%; no homozygotes.

Submission:

PreventionGenetics, part of Exact Sciences
Classification: Uncertain significance for NEB-related condition. Last evaluated: 2022-10-24. Review status: criteria provided, single submitter. Criteria: ACMG Guidelines, 2015. Collection method: clinical testing. Allele origin: germline.
Comment: The NEB c.17512C>G variant is predicted to result in the amino acid substitution p.His5838Asp. To our knowledge, this variant has not been reported in the literature or in a large population database, indicating this variant is rare. At this time, the clinical significance of this variant is uncertain due to the absence of conclusive functional and genetic evidence.

NM_001164508.2(NEB):c.17512C>G (p.His5838Asp)

Gene: NEB (nebulin; minus strand). Cytogenetic location: 2q23.3.
Variant type: single nucleotide variant.
Coding change: c.17512C>G on transcript NM_001164508.2 (MANE Select); coding-DNA position 17512, C replaced by G.
Protein change: p.His5838Asp; replaces histidine 5838 with aspartic acid.
Molecular consequence: missense variant.
Genome position (GRCh38, 1-based): chr2:151,569,291, G>C on the plus strand (C>G on the coding strand, the complement: NEB is on the minus strand). VCF-style: chr2-151569291-G-C. GRCh37 (hg19) VCF-style: chr2-152425805-G-C.
Other names: c.17512C>G, p.His5838Asp (NM_001164507.2, NM_001271208.2); c.12409C>G, p.His4137Asp (NM_004543.5); short protein forms H4137D, H5838D.
Identifiers: ClinVar variation 2636798 (VCV002636798.1), dbSNP rs1199519662, ClinGen allele CA348805779.